The following is an entry in ClinVar:

NM_006648.4(WNK2):c.5327A>T (p.Asp1776Val)

Gene: WNK2 (WNK lysine deficient protein kinase 2; plus strand). Cytogenetic location: 9q22.31.
Variant type: single nucleotide variant.
Coding change: c.5327A>T on transcript NM_006648.4 (MANE Select); coding-DNA position 5327, A replaced by T.
Protein change: p.Asp1776Val; replaces aspartic acid 1776 with valine.
Molecular consequence: missense variant.
Genome position (GRCh38, 1-based): chr9:93,292,792, A>T. VCF-style: chr9-93292792-A-T. GRCh37 (hg19) VCF-style: chr9-96055074-A-T.
Other names: c.5438A>T, p.Asp1813Val (NM_001282394.3); short protein forms D1776V, D1813V.
Identifiers: ClinVar variation 3981704 (VCV003981704.1).
Genomic context (GRCh38, chr9:93,292,792, plus strand): 5'-AGTGGACCCTGGCCTCCCCCCACAGCCTGAGATACTCTGCCCCACCCGACGTCTACCTGG[A>T]CGAGGCCCCCTCCAGCCCCGACGTGAAGCTGGCAGTGCGGCGGGCGCAGACGGCCTCCTC-3'
Protein context (NP_006639.3, residues 1766-1786): RYSAPPDVYL[Asp1776Val]EAPSSPDVKL

ClinVar aggregate classification (germline): Uncertain significance (1 of 4 stars; one submission).

Submission:

Ambry Genetics
Classification: Uncertain significance. Last evaluated: 2025-03-22. Review status: criteria provided, single submitter. Criteria: Ambry Variant Classification Scheme 2023. Collection method: clinical testing. Allele origin: germline.
Comment: The p.D1776V variant (also known as c.5327A>T), located in coding exon 22 of the WNK2 gene, results from an A to T substitution at nucleotide position 5327. The aspartic acid at codon 1776 is replaced by valine, an amino acid with highly dissimilar properties. This amino acid position is conserved. In addition, the in silico prediction for this alteration is inconclusive. Based on the available evidence, the clinical significance of this variant remains unclear.